The following is an entry in ClinVar:

NM_012330.4(KAT6B):c.4956C>T (p.Val1652=)

Gene: KAT6B (lysine acetyltransferase 6B; plus strand). Cytogenetic location: 10q22.2.
Variant type: single nucleotide variant.
Coding change: c.4956C>T on transcript NM_012330.4 (MANE Select); coding-DNA position 4956, C replaced by T.
Protein change: p.Val1652=; no amino-acid change (valine 1652 retained).
Molecular consequence: synonymous variant.
Genome position (GRCh38, 1-based): chr10:75,029,780, C>T. VCF-style: chr10-75029780-C-T. GRCh37 (hg19) VCF-style: chr10-76789538-C-T.
Other names: c.4407C>T, p.Val1469= (NM_001256468.2, NM_001370138.1); c.4080C>T, p.Val1360= (NM_001256469.2, NM_001370139.1, NM_001370140.1 and 2 more transcripts); c.3918C>T, p.Val1306= (NM_001370132.1); c.3267C>T, p.Val1089= (NM_001370133.1); c.2871C>T, p.Val957= (NM_001370134.1); c.2613C>T, p.Val871= (NM_001370135.1); c.4956C>T, p.Val1652= (NM_001370136.1, NM_001370137.1); c.3891C>T, p.Val1297= (NM_001370143.1, NM_001370144.1); and 1 more.
Identifiers: ClinVar variation 2044116 (VCV002044116.6), dbSNP rs768071253, ClinGen allele CA5565126.

ClinVar aggregate classification (germline): Likely benign. Review status: criteria provided, single submitter (1 of 4 stars). 2 submissions from 2 submitters: Likely benign (1). 1 of the submissions does not count toward it. Last evaluated 2024-12-09.

Conditions:
KAT6B-related disorder. Also called: KAT6B-related disorders; KAT6B-related condition.
Genitopatellar syndrome (GTPTS). Also called: Genitopatellar syndrome (GPS); ABSENT PATELLAE, SCROTAL HYPOPLASIA, RENAL ANOMALIES, FACIAL DYSMORPHISM, AND MENTAL RETARDATION. Identifiers: Orphanet 85201, MedGen C1853566, MONDO:0011640, OMIM 606170.

Allele frequency attached by ClinVar (database versions not stated): ExAC 0.00001; gnomAD exomes 0.00003; TOPMed 0.00003; gnomAD 0.00004.
gnomAD v4.1: 44 of 1,613,766 alleles (0.0027%); highest among the groups gnomAD compares: Non-Finnish European, 0.0035%; no homozygotes.

Submissions (2):

Labcorp Genetics (formerly Invitae), Labcorp
Classification: Likely benign for Genitopatellar syndrome. Last evaluated: 2024-12-09. Review status: criteria provided, single submitter. Criteria: Invitae Variant Classification Sherloc (09022015). Collection method: clinical testing. Allele origin: germline.

PreventionGenetics, part of Exact Sciences
Classification: Likely benign for KAT6B-related condition. Last evaluated: 2019-09-25. Review status: no assertion criteria provided. Collection method: clinical testing. Allele origin: germline. Not counted in ClinVar's aggregate classification.
Comment: This variant is classified as likely benign based on ACMG/AMP sequence variant interpretation guidelines (Richards et al. 2015 PMID: 25741868, with internal and published modifications).